The following is an entry in ClinVar:

NM_001287491.2(TET3):c.3220G>A (p.Ala1074Thr)

Gene: TET3 (tet methylcytosine dioxygenase 3; plus strand). Cytogenetic location: 2p13.1.
Variant type: single nucleotide variant.
Coding change: c.3220G>A on transcript NM_001287491.2 (MANE Select); coding-DNA position 3220, G replaced by A.
Protein change: p.Ala1074Thr; replaces alanine 1074 with threonine.
Molecular consequence: missense variant.
Genome position (GRCh38, 1-based): chr2:74,093,619, G>A. VCF-style: chr2-74093619-G-A. GRCh37 (hg19) VCF-style: chr2-74320746-G-A.
Other names: c.2815G>A (NM_144993.1); c.2941G>A, p.Ala981Thr (NM_001366022.1); short protein forms A981T, A1074T.
Identifiers: ClinVar variation 5030792 (VCV005030792.1).

ClinVar aggregate classification (germline): Uncertain significance (1 of 4 stars; one submission).

Conditions:
Inborn genetic diseases. Identifiers: MedGen C0950123, MeSH D030342.

Submission:

Ambry Genetics
Classification: Uncertain significance for Inborn genetic diseases. Last evaluated: 2026-06-29. Review status: criteria provided, single submitter. Criteria: Ambry Variant Classification Scheme 2023. Collection method: clinical testing. Allele origin: germline.
Comment: The c.2815G>A (p.A939T) alteration is located in exon 7 (coding exon 7) of the TET3 gene. This alteration results from a G to A substitution at nucleotide position 2815, causing the alanine (A) at amino acid position 939 to be replaced by a threonine (T). This variant was not reported in population-based cohorts in the Genome Aggregation Database (gnomAD). This amino acid position is highly conserved in available vertebrate species. This missense variant is located in a region that has a low rate of benign missense variation (Lek, 2016; Firth, 2009). This alteration is predicted to be deleterious by in silico analysis. Based on insufficient or conflicting evidence, the clinical significance of this alteration remains unclear.